The following is an entry in ClinVar:

NM_000311.5(PRNP):c.525T>A (p.Phe175Leu)

Gene: PRNP (prion protein (Kanno blood group); plus strand). Cytogenetic location: 20p13.
Variant type: single nucleotide variant.
Coding change: c.525T>A on transcript NM_000311.5 (MANE Select); coding-DNA position 525, T replaced by A.
Protein change: p.Phe175Leu; replaces phenylalanine 175 with leucine.
Molecular consequence: missense variant. On other transcripts: 3 prime UTR variant (1).
Genome position (GRCh38, 1-based): chr20:4,699,745, T>A. VCF-style: chr20-4699745-T-A. GRCh37 (hg19) VCF-style: chr20-4680391-T-A.
Other names: c.525T>A, p.Phe175Leu (NM_001080121.3, NM_001080122.3, NM_001080123.3 and 1 more transcripts); c.*214T>A (NM_001271561.3); short protein forms F175L.
Identifiers: ClinVar variation 4847963 (VCV004847963.1).

ClinVar aggregate classification (germline): Uncertain significance (1 of 4 stars; one submission).

gnomAD v4.1: 4 of 1,614,030 alleles (0.00025%); highest among the groups gnomAD compares: Non-Finnish European, 0.00034%; no homozygotes.

Submission:

Women's Health and Genetics/Laboratory Corporation of America, LabCorp
Classification: Uncertain significance. Last evaluated: 2026-02-09. Review status: criteria provided, single submitter. Criteria: LabCorp Variant Classification Summary - May 2015. Collection method: clinical testing. Allele origin: germline.
Comment: Variant summary: PRNP c.525T>A (p.Phe175Leu) results in a non-conservative amino acid change in the encoded protein sequence. Algorithms developed to predict the effect of missense changes on protein structure and function all suggest that this variant is likely to be disruptive. The variant was absent in 251474 control chromosomes. The available data on variant occurrences in the general population are insufficient to allow any conclusion about variant significance. To our knowledge, no occurrence of c.525T>A in individuals affected with PRNP-related conditions and no experimental evidence demonstrating its impact on protein function have been reported. No submitters have cited clinical-significance assessments for this variant to ClinVar. Based on the evidence outlined above, the variant was classified as uncertain significance.